The following is an entry in ClinVar:

NM_022552.5(DNMT3A):c.2129G>A (p.Cys710Tyr)

Gene: DNMT3A (DNA methyltransferase 3 alpha; minus strand). Cytogenetic location: 2p23.3.
Variant type: single nucleotide variant.
Coding change: c.2129G>A on transcript NM_022552.5 (MANE Select); coding-DNA position 2129, G replaced by A.
Protein change: p.Cys710Tyr; replaces cysteine 710 with tyrosine.
Molecular consequence: missense variant. On other transcripts: non-coding transcript variant (1).
Genome position (GRCh38, 1-based): chr2:25,240,684, C>T on the plus strand (G>A on the coding strand, the complement: DNMT3A is on the minus strand). VCF-style: chr2-25240684-C-T. GRCh37 (hg19) VCF-style: chr2-25463553-C-T.
Other names: c.1673G>A, p.Cys558Tyr (NM_001320893.1); c.1460G>A, p.Cys487Tyr (NM_001375819.1); c.1562G>A, p.Cys521Tyr (NM_153759.3); c.2129G>A, p.Cys710Tyr (NM_175629.2); short protein forms C487Y, C521Y, C558Y, C710Y.
Identifiers: ClinVar variation 3778314 (VCV003778314.7).

ClinVar aggregate classification (germline): Uncertain significance (1 of 4 stars; one submission).

Submission:

CeGaT Center for Human Genetics Tuebingen
Classification: Uncertain significance. Last evaluated: 2025-03-01. Review status: criteria provided, single submitter. Criteria: CeGaT Center For Human Genetics Tuebingen Variant Classification Criteria Version 2. Collection method: clinical testing. Allele origin: germline. Affected: yes. Observed: 1 variant allele.
Comment: DNMT3A: PM2, PS2:Moderate, PP3